The following is an entry in ClinVar:

NC_000022.10:g.(?_32289548)_(32302483_?)dup

Gene: DEPDC5 (DEP domain containing 5, GATOR1 subcomplex subunit; plus strand). Cytogenetic location: 22q12.3.
Variant type: Duplication.
Identifiers: ClinVar variation 2424001 (VCV002424001.3).

ClinVar aggregate classification (germline): Uncertain significance (1 of 4 stars; one submission).

Conditions:
Familial focal epilepsy with variable foci (FPEVF). Identifiers: Orphanet 98820, MedGen C1858477, MONDO:0020310.

Submission:

Labcorp Genetics (formerly Invitae), Labcorp
Classification: Uncertain significance for Familial focal epilepsy with variable foci. Last evaluated: 2022-06-10. Review status: criteria provided, single submitter. Criteria: Invitae Variant Classification Sherloc (09022015). Collection method: clinical testing. Allele origin: germline.
Comment: Experimental studies and prediction algorithms are not available or were not evaluated, and the functional significance of this variant is currently unknown. This variant has not been reported in the literature in individuals affected with DEPDC5-related conditions. This variant results in a copy number gain of the genomic region encompassing exon(s) 39-43 of the DEPDC5 gene. This region includes the termination codon of the gene. This copy number gain extends beyond the assayed region for this gene and therefore may encompass additional genes. As the precise location of this event is unknown, it may be in tandem or it may be located elsewhere in the genome. In summary, the available evidence is currently insufficient to determine the role of this variant in disease. Therefore, it has been classified as a Variant of Uncertain Significance.